The following is an entry in ClinVar:

ClinVar aggregate classification (germline): Uncertain significance (0 of 4 stars; one submission).

Conditions:
Prostate cancer. Also called: Malignant tumor of prostate. Identifiers: Orphanet 1331, MedGen C0376358, MONDO:0008315, HP:0012125.

Allele frequency attached by ClinVar (database versions not stated): gnomAD exomes 0.00007; TOPMed 0.00006; ExAC 0.00012; gnomAD 0.00006.
gnomAD v4.1: 65 of 1,613,854 alleles (0.004%); highest among the groups gnomAD compares: African/African-American, 0.0094%; no homozygotes.

Submission:

Science for Life laboratory,  Karolinska Institutet
Classification: Uncertain significance for Malignant tumor of prostate. Review status: no assertion criteria provided. Collection method: not provided. Allele origin: somatic.
Comment: TumorID:SWE-4
ClinVar note: Converted during submission from Unknown to Uncertain significance.

NM_052918.5(SORCS1):c.3371+126C>T

Gene: SORCS1 (sortilin related VPS10 domain containing receptor 1; minus strand). Cytogenetic location: 10q25.1.
Variant type: single nucleotide variant.
Coding change: c.3371+126C>T on transcript NM_052918.5 (MANE Select); 126 bases into the intron after coding-DNA position 3371, C replaced by T.
Molecular consequence: intron variant. On other transcripts: missense variant (3), 3 prime UTR variant (1).
Genome position (GRCh38, 1-based): chr10:106,579,243, G>A on the plus strand (C>T on the coding strand, the complement: SORCS1 is on the minus strand). VCF-style: chr10-106579243-G-A. GRCh37 (hg19) VCF-style: chr10-108339001-G-A.
Other names: c.3380C>T, p.Pro1127Leu (NM_001013031.3, NM_001206569.2, NM_001206572.2); c.*17C>T (NM_001206571.2); c.3371+126C>T (NM_001206570.2); short protein forms P1127L.
Identifiers: ClinVar variation 161572 (VCV000161572.2), dbSNP rs193920991, ClinGen allele CA174371.